The following is an entry in ClinVar:

ClinVar aggregate classification (germline): Benign. Review status: criteria provided, multiple submitters, no conflicts (2 of 4 stars). 2 submissions from 2 submitters: Benign (2). Last evaluated 2019-12-31.

Conditions:
Long QT syndrome (LQTS). Identifiers: MedGen C0023976, MeSH D008133, MONDO:0002442. Disease mechanism: loss of function. Inheritance: Various modes of inheritance.

Allele frequency attached by ClinVar (database versions not stated): gnomAD 0.16249 and 0.16837; TOPMed 0.18432; 1000 Genomes Project 0.19868; 1000 Genomes Project 30x 0.20284.
gnomAD v4.1: 24,526 of 152,078 alleles (16%); highest among the groups gnomAD compares: African/African-American, 41%; 3,883 homozygotes.

Submissions (2):

Labcorp Genetics (formerly Invitae), Labcorp
Classification: Benign for Long QT syndrome. Last evaluated: 2019-12-31. Review status: criteria provided, single submitter. Criteria: Invitae Variant Classification Sherloc (09022015). Collection method: clinical testing. Allele origin: germline.

GeneDx
Classification: Benign. Last evaluated: 2018-06-19. Review status: criteria provided, single submitter. Criteria: GeneDx Variant Classification (06012015). Collection method: clinical testing. Allele origin: germline. Affected: yes.
Comment: This variant is considered likely benign or benign based on one or more of the following criteria: it is a conservative change, it occurs at a poorly conserved position in the protein, it is predicted to be benign by multiple in silico algorithms, and/or has population frequency not consistent with disease.

NM_000719.7(CACNA1C):c.5444+259A>G

Genes: CACNA1C (calcium voltage-gated channel subunit alpha1 C; plus strand), CACNA1C-AS1 (CACNA1C antisense RNA 1; minus strand). Cytogenetic location: 12p13.33.
Variant type: single nucleotide variant.
Coding change: c.5444+259A>G on transcript NM_000719.7 (MANE Select); 259 bases into the intron after coding-DNA position 5444, A replaced by G.
Molecular consequence: intron variant.
Genome position (GRCh38, 1-based): chr12:2,680,055, A>G. VCF-style: chr12-2680055-A-G. GRCh37 (hg19) VCF-style: chr12-2789221-A-G.
Other names: c.5444+259A>G (NM_001167624.3, NM_001167623.2, NM_001129840.2 and 4 more transcripts); c.5411+259A>G (NM_001167625.2, NM_001129846.2); c.5588+259A>G (NM_199460.4, NM_001129827.2); c.5504+259A>G (NM_001129832.2); c.5528+259A>G (NM_001129831.2); c.5501+259A>G (NM_001129833.2, NM_001129834.2, NM_001129835.2); c.5567+259A>G (NM_001129829.2); c.5468+259A>G (NM_001129837.2, NM_001129838.2); and 3 more.
Identifiers: ClinVar variation 683272 (VCV000683272.5), dbSNP rs3794288, ClinGen allele CA15736750.